The following is an entry in ClinVar:

ClinVar aggregate classification (germline): Uncertain significance (1 of 4 stars; one submission).

Conditions:
Cardiovascular phenotype. Identifiers: MedGen CN230736.

Submission:

Ambry Genetics
Classification: Uncertain significance for Cardiovascular phenotype. Last evaluated: 2025-03-23. Review status: criteria provided, single submitter. Criteria: Ambry Variant Classification Scheme 2023. Collection method: clinical testing. Allele origin: germline.
Comment: The p.V208D variant (also known as c.623T>A), located in coding exon 5 of the LPL gene, results from a T to A substitution at nucleotide position 623. The valine at codon 208 is replaced by aspartic acid, an amino acid with highly dissimilar properties. This amino acid position is conserved. In addition, this alteration is predicted to be deleterious by in silico analysis. Based on the available evidence, the clinical significance of this variant remains unclear.

NM_000237.3(LPL):c.623T>A (p.Val208Asp)

Gene: LPL (lipoprotein lipase; plus strand). Cytogenetic location: 8p21.3.
Variant type: single nucleotide variant.
Coding change: c.623T>A on transcript NM_000237.3 (MANE Select); coding-DNA position 623, T replaced by A.
Protein change: p.Val208Asp; replaces valine 208 with aspartic acid.
Molecular consequence: missense variant.
Genome position (GRCh38, 1-based): chr8:19,954,201, T>A. VCF-style: chr8-19954201-T-A. GRCh37 (hg19) VCF-style: chr8-19811712-T-A.
Other names: short protein forms V208D.
Identifiers: ClinVar variation 4048217 (VCV004048217.1).
Genomic context (GRCh38, chr8:19,954,201, plus strand): 5'-ACTTTGAGTATGCAGAAGCCCCGAGTCGTCTTTCTCCTGATGATGCAGATTTTGTAGACG[T>A]CTTACACACATTCACCAGAGGGTCCCCTGGTCGAAGCATTGGAATCCAGAAACCAGTTGG-3'
Protein context (NP_000228.1, residues 198-218): LSPDDADFVD[Val208Asp]LHTFTRGSPG